The following is an entry in ClinVar:

NM_000709.4(BCKDHA):c.1260C>T (p.Leu420=)

Gene: BCKDHA (branched chain keto acid dehydrogenase E1 subunit alpha; plus strand). Cytogenetic location: 19q13.2.
Variant type: single nucleotide variant.
Coding change: c.1260C>T on transcript NM_000709.4 (MANE Select); coding-DNA position 1260, C replaced by T.
Protein change: p.Leu420=; no amino-acid change (leucine 420 retained).
Molecular consequence: synonymous variant.
Genome position (GRCh38, 1-based): chr19:41,424,530, C>T. VCF-style: chr19-41424530-C-T. GRCh37 (hg19) VCF-style: chr19-41930435-C-T.
Other names: c.1257C>T, p.Leu419= (NM_001164783.2).
Identifiers: ClinVar variation 93345 (VCV000093345.21), dbSNP rs34492894, ClinGen allele CA146871.

ClinVar aggregate classification (germline): Benign. Review status: criteria provided, multiple submitters, no conflicts (2 of 4 stars). 6 submissions from 6 submitters: Benign (5). 1 of the submissions does not count toward it. Last evaluated 2026-02-04.

Conditions:
Maple syrup urine disease type 1A (MSUD1A). Also called: MSUD type 1A. Identifiers: MedGen C1855369, MONDO:0023691, OMIM 248600.
Maple syrup urine disease (MSUD). Identifiers: Orphanet 511, MedGen C0024776, MeSH D008375, MONDO:0009563. Disease mechanism: loss of function.

Allele frequency attached by ClinVar (database versions not stated): gnomAD exomes 0.00272 and 0.00718; ExAC 0.00862; gnomAD 0.02696 and 0.02893; 1000 Genomes Project 0.02955; 1000 Genomes Project 30x 0.03029; TOPMed 0.03061; ESP Exome Variant Server 0.03114.

Submissions (6):

Labcorp Genetics (formerly Invitae), Labcorp
Classification: Benign for Maple syrup urine disease. Last evaluated: 2026-02-04. Review status: criteria provided, single submitter. Criteria: Invitae Variant Classification Sherloc (09022015). Collection method: clinical testing. Allele origin: germline.

Illumina Laboratory Services, Illumina
Classification: Benign for Maple syrup urine disease type 1A. Last evaluated: 2018-01-13. Review status: criteria provided, single submitter. Criteria: ICSL Variant Classification Criteria 13 December 2019. Collection method: clinical testing. Allele origin: germline.
Comment: This variant was observed in the ICSL laboratory as part of a predisposition screen in an ostensibly healthy population. It had not been previously curated by ICSL or reported in the Human Gene Mutation Database (HGMD: prior to June 1st, 2018), and was therefore a candidate for classification through an automated scoring system. Utilizing variant allele frequency, disease prevalence and penetrance estimates, and inheritance mode, an automated score was calculated to assess if this variant is too frequent to cause the disease. Based on the score and internal cut-off values, a variant classified as benign is not then subjected to further curation. The score for this variant resulted in a classification of benign for this disease.

GeneDx
Classification: Benign. Last evaluated: 2016-01-08. Review status: criteria provided, single submitter. Criteria: GeneDx Variant Classification (06012015). Collection method: clinical testing. Allele origin: germline. Affected: yes.
Comment: This variant is considered likely benign or benign based on one or more of the following criteria: it is a conservative change, it occurs at a poorly conserved position in the protein, it is predicted to be benign by multiple in silico algorithms, and/or has population frequency not consistent with disease.

Eurofins Ntd Llc (ga)
Classification: Benign. Last evaluated: 2013-08-23. Review status: criteria provided, single submitter. Criteria: EGL Classification Definitions 2015. Collection method: clinical testing. Allele origin: germline. Observed: 6 variant alleles, 6 heterozygotes.

Breakthrough Genomics
Classification: Benign. Review status: criteria provided, single submitter. Criteria: ACMG Guidelines, 2015. Collection method: not provided. Allele origin: germline. Inheritance: Autosomal recessive inheritance. Affected: yes.

Natera, Inc.
Classification: Benign for Maple syrup urine disease type 1A. Last evaluated: 2020-09-16. Review status: no assertion criteria provided. Collection method: clinical testing. Allele origin: germline. Not counted in ClinVar's aggregate classification.